The following is an entry in ClinVar:

ClinVar aggregate classification (germline): Uncertain significance (1 of 4 stars; one submission).

Submission:

Centre of Medical Genetics, University Hospital Muenster
Classification: Uncertain significance. Last evaluated: 2025-06-18. Review status: criteria provided, single submitter. Criteria: ACMG Guidelines, 2015. Collection method: clinical testing. Allele origin: unknown. Affected: yes. Observed: 1 variant allele.
Comment: ACMG categories: PM2,PP3

NM_001399.5(EDA):c.924+6T>A

Gene: EDA (ectodysplasin A; plus strand). Cytogenetic location: Xq13.1.
Variant type: single nucleotide variant.
Coding change: c.924+6T>A on transcript NM_001399.5 (MANE Select); 6 bases into the intron after coding-DNA position 924, T replaced by A.
Molecular consequence: intron variant.
Genome position (GRCh38, 1-based): chrX:70,033,534, T>A. VCF-style: chrX-70033534-T-A. GRCh37 (hg19) VCF-style: chrX-69253384-T-A.
Other names: c.918+12T>A (NM_001005609.2); c.882+48T>A (NM_001440762.1); c.915+6T>A (NM_001440761.1); c.909+12T>A (NM_001005612.3).
Identifiers: ClinVar variation 4526365 (VCV004526365.1).